The following is an entry in ClinVar:

NM_000642.3(AGL):c.2030dup (p.Tyr677Ter)

Gene: AGL (amylo-alpha-1,6-glucosidase and 4-alpha-glucanotransferase; plus strand). Cytogenetic location: 1p21.2.
Variant type: Duplication.
Coding change: c.2030dup on transcript NM_000642.3 (MANE Select); coding-DNA position 2030, one base duplicated (A; older notation c.2030dupA).
Protein change: p.Tyr677Ter; replaces tyrosine 677 with a stop codon.
Molecular consequence: nonsense.
Genome position (GRCh38, 1-based): chr1:99,881,320, A duplicated. VCF-style (leftmost placement, unchanged base first): chr1-99881319-T-TA. GRCh37 (hg19) VCF-style: chr1-100346875-T-TA.
Other names: c.2030dup, p.Tyr677Ter (NM_000028.3, NM_000643.3, NM_000644.3 and 2 more transcripts); c.1982dup, p.Tyr661Ter (NM_000646.3); c.1829dup, p.Tyr610Ter (NM_001425327.1); c.1826dup, p.Tyr609Ter (NM_001425328.1, NM_001425329.1); c.1652dup, p.Tyr551Ter (NM_001425332.1); short protein forms Y551*, Y609*, Y677*, Y610*, Y661*.
Identifiers: ClinVar variation 3654226 (VCV003654226.2).

ClinVar aggregate classification (germline): Pathogenic (1 of 4 stars; one submission).

Conditions:
Glycogen storage disease type III (GSD3). Also called: FORBES DISEASE; Cori disease. Identifiers: Orphanet 366, MedGen C0017922, MONDO:0009291, OMIM 232400.

Submission:

Labcorp Genetics (formerly Invitae), Labcorp
Classification: Pathogenic for Glycogen storage disease type III. Last evaluated: 2024-05-22. Review status: criteria provided, single submitter. Criteria: Invitae Variant Classification Sherloc (09022015). Collection method: clinical testing. Allele origin: germline.
Comment: This sequence change creates a premature translational stop signal (p.Tyr677*) in the AGL gene. It is expected to result in an absent or disrupted protein product. Loss-of-function variants in AGL are known to be pathogenic (PMID: 19299494). This variant is not present in population databases (gnomAD no frequency). This variant has not been reported in the literature in individuals affected with AGL-related conditions. Algorithms developed to predict the effect of sequence changes on RNA splicing suggest that this variant may disrupt the consensus splice site. For these reasons, this variant has been classified as Pathogenic.

Literature cited by the submitters: PubMed 19299494.